The following is an entry in ClinVar:

ClinVar aggregate classification (germline): Uncertain significance (1 of 4 stars; one submission).

Conditions:
Charcot-Marie-Tooth disease axonal type 2C (HMSN2C). Also called: CHARCOT-MARIE-TOOTH DISEASE, AXONAL, AUTOSOMAL DOMINANT, TYPE 2C; Charcot-Marie-Tooth Neuropathy Type 2C; Charcot-Marie-Tooth Disease Type 2, TRPV4-Related (CMT2C). Identifiers: Orphanet 99937, MedGen C1853710, MONDO:0011633, OMIM 606071.

Submission:

Labcorp Genetics (formerly Invitae), Labcorp
Classification: Uncertain significance for Charcot-Marie-Tooth disease axonal type 2C. Last evaluated: 2022-06-05. Review status: criteria provided, single submitter. Criteria: Invitae Variant Classification Sherloc (09022015). Collection method: clinical testing. Allele origin: germline.
Comment: This sequence change creates a premature translational stop signal (p.Tyr283Leufs*51) in the TRPV4 gene. It is expected to result in an absent or disrupted protein product. However, the current clinical and genetic evidence is not sufficient to establish whether loss-of-function variants in TRPV4 cause disease. This variant is not present in population databases (gnomAD no frequency). This variant has not been reported in the literature in individuals affected with TRPV4-related conditions. In summary, the available evidence is currently insufficient to determine the role of this variant in disease. Therefore, it has been classified as a Variant of Uncertain Significance.

NM_021625.5(TRPV4):c.845dup (p.Tyr283fs)

Gene: TRPV4 (transient receptor potential cation channel subfamily V member 4; minus strand). Cytogenetic location: 12q24.11.
Variant type: Duplication.
Coding change: c.845dup on transcript NM_021625.5 (MANE Select); coding-DNA position 845, one base duplicated (T; older notation c.845dupT).
Protein change: p.Tyr283fs; shifts the reading frame from tyrosine 283.
Molecular consequence: frameshift variant. On other transcripts: intron variant (2).
Genome position (GRCh38, 1-based): chr12:109,800,626, A duplicated on the plus strand (T on the coding strand, the reverse complement: TRPV4 is on the minus strand); the first of 2 consecutive A bases (chr12:109,800,626-109,800,627); duplicating either gives the same sequence. VCF-style (leftmost placement, unchanged base first): chr12-109800625-G-GA. GRCh37 (hg19) VCF-style: chr12-110238430-G-GA.
Other names: c.742dup, p.Tyr249Leufs (NM_001177431.2); c.844dup, p.Tyr283Leufs (NM_147204.3); c.713-1714dup (NM_001177433.1, NM_001177428.1); short protein forms Y249fs, Y283fs.
Identifiers: ClinVar variation 2140067 (VCV002140067.4), dbSNP rs2548756947, ClinGen allele CA2580085804.
Genomic context (GRCh38, chr12:109,800,625, plus strand): 5'-CTCCCGCCATGCTTCTCCAGCATGCTGTCAGCCCCCACCAGGCCCCTCCTTACCAAAGTA[G>GA]AAGTAGCCCCCCTCATCCTTGGGCTGGAAGAAGCGCCCACGGGCCTGGGCGTGGACATCA-3'